The following is an entry in ClinVar:

NM_001005242.3(PKP2):c.880T>A (p.Ser294Thr)

Gene: PKP2 (plakophilin 2; minus strand). Cytogenetic location: 12p11.21.
Variant type: single nucleotide variant.
Coding change: c.880T>A on transcript NM_001005242.3 (MANE Select); coding-DNA position 880, T replaced by A.
Protein change: p.Ser294Thr; replaces serine 294 with threonine.
Molecular consequence: missense variant.
Genome position (GRCh38, 1-based): chr12:32,878,000, A>T on the plus strand (T>A on the coding strand, the complement: PKP2 is on the minus strand). VCF-style: chr12-32878000-A-T. GRCh37 (hg19) VCF-style: chr12-33030934-A-T.
Other names: c.880T>A, p.Ser294Thr (NM_001407155.1, NM_001407156.1, NM_001407157.1 and 2 more transcripts); c.553T>A, p.Ser185Thr (NM_001407158.1, NM_001407159.1, NM_001407160.1 and 1 more transcripts); short protein forms S185T, S294T.
Identifiers: ClinVar variation 3075465 (VCV003075465.1), dbSNP rs2541339152, ClinGen allele CA384362106.

ClinVar aggregate classification (germline): Uncertain significance (1 of 4 stars; one submission).

Conditions:
Arrhythmogenic right ventricular cardiomyopathy (ARVD). Also called: Arrhythmogenic right ventricular dysplasia; Cardiomyopathy, ARVC; Arrhythmogenic cardiomyopathy; Arrhythmogenic Right Ventricular Cardiomyopathy (ARVC). Identifiers: Orphanet 247, MedGen C0349788, MeSH D019571, MONDO:0016587. Disease mechanism: loss of function. Inheritance: Various modes of inheritance.

Submission:

All of Us Research Program, National Institutes of Health
Classification: Uncertain significance for Arrhythmogenic right ventricular cardiomyopathy. Last evaluated: 2024-02-05. Review status: criteria provided, single submitter. Criteria: ACMG Guidelines, 2015. Collection method: clinical testing. Allele origin: germline. Inheritance: Autosomal dominant inheritance. Observed: 1 variant allele, 1 heterozygote.
Comment: This missense variant replaces serine with threonine at codon 294 of the PKP2 protein. Computational prediction suggests that this variant may not impact protein structure and function (internally defined REVEL score threshold <= 0.5, PMID: 27666373). To our knowledge, functional studies have not been reported for this variant. This variant has not been reported in individuals affected with PKP2-related disorders in the literature. This variant has not been identified in the general population by the Genome Aggregation Database (gnomAD). The available evidence is insufficient to determine the role of this variant in disease conclusively. Therefore, this variant is classified as a Variant of Uncertain Significance.

This study involves interpretation of variants in research participants for the purpose of population health screening. Participant phenotype was not available at the time of variant classification. Additional details can be found in publication PMID: 35346344, PMCID: PMC8962531